The following is an entry in ClinVar:

NM_015506.3(MMACHC):c.14_24del (p.Val5fs)

Gene: MMACHC (metabolism of cobalamin associated C; plus strand). Cytogenetic location: 1p34.1.
Variant type: Deletion.
Coding change: c.14_24del on transcript NM_015506.3 (MANE Select); coding-DNA positions 14 to 24, 11 bases deleted (TCGCAGAGCTG).
Protein change: p.Val5fs; shifts the reading frame from valine 5.
Molecular consequence: frameshift variant. On other transcripts: 5 prime UTR variant (1).
Genome position (GRCh38, 1-based): chr1:45,500,346-45,500,356, TCGCAGAGCTG deleted; deleting any 11 consecutive bases within chr1:45,500,345-45,500,356 gives the same sequence; the c. name uses the placement nearest the transcript's 3' end. VCF-style (leftmost placement, unchanged base first): chr1-45500344-AGTCGCAGAGCT-A. GRCh37 (hg19) VCF-style: chr1-45966016-AGTCGCAGAGCT-A.
Other names: c.-209_-199del (NM_001330540.2); short protein forms V5fs.
Identifiers: ClinVar variation 2202756 (VCV002202756.4), dbSNP rs2522797763, ClinGen allele CA2580062894.
Genomic context (GRCh38, chr1:45,500,344, plus strand): 5'-TTGTCCTTGAGACTTCATTCCCCAGCAAGCTCAGCGTGTAACGTGCGCTATGGAGCCGAA[AGTCGCAGAGCT>A]GAAGCAGAAGATCGAGGACACGCTATGTCCTTTTGGCTTCGAGGTTTACCCCTTCCAGGT-3'

ClinVar aggregate classification (germline): Pathogenic (1 of 4 stars; one submission).

Conditions:
Cobalamin C disease. Also called: Methylmalonic aciduria with homocystinuria cblC type; methylmalonic aciduria and homocystinuria type cblC; Cobalamin-C methylmalonic acidemia and homocystinuria; Methylmalonic acidemia and homocystinuria cblC type; Methylmalonic aciduria and homocystinuria, Vitamin B12-responsive; Vitamin B12 metabolic defect with combined deficiency of methylmalonyl-CoA mutase and homocysteine:methyltetrahydrofolate methyltransferase. Identifiers: Orphanet 26, Orphanet 79282, MedGen C1848561, MONDO:0010184, OMIM 277400.

Submission:

Labcorp Genetics (formerly Invitae), Labcorp
Classification: Pathogenic for Cobalamin C disease. Last evaluated: 2022-05-28. Review status: criteria provided, single submitter. Criteria: Invitae Variant Classification Sherloc (09022015). Collection method: clinical testing. Allele origin: germline.
Comment: This premature translational stop signal has been observed in individual(s) with methylmalonic aciduria and homocystinuria (PMID: 19370762, 23837176). For these reasons, this variant has been classified as Pathogenic. This variant is not present in population databases (gnomAD no frequency). This sequence change creates a premature translational stop signal (p.Val5Glufs*25) in the MMACHC gene. It is expected to result in an absent or disrupted protein product. Loss-of-function variants in MMACHC are known to be pathogenic (PMID: 16311595).

Literature cited by the submitters: PubMed 19370762; PubMed 23837176; PubMed 16311595.